The following is an entry in ClinVar:

ClinVar aggregate classification (germline): Likely benign (1 of 4 stars; one submission).

Conditions:
Leukodystrophy, hypomyelinating, 7, with or without oligodontia and/or hypogonadotropic hypogonadism (HLD7). Also called: LEUKOENCEPHALOPATHY, HYPOMYELINATING, WITH ATAXIA AND DELAYED DENTITION; ATAXIA, DELAYED DENTITION, AND HYPOMYELINATION; LEUKODYSTROPHY, HYPOMYELINATING, 7, WITH OLIGODONTIA; LEUKODYSTROPHY, HYPOMYELINATING, 7, WITH OLIGODONTIA AND HYPOGONADOTROPIC HYPOGONADISM; LEUKODYSTROPHY, HYPOMYELINATING, 7, WITHOUT OLIGODONTIA OR HYPOGONADOTROPIC HYPOGONADISM; Ataxia, Delayed Dentition and Hypomyelination (ADDH). Identifiers: Orphanet 137639, Orphanet 447893, Orphanet 447896, Orphanet 77295, Orphanet 88637, MedGen CN034185, MONDO:0011897, OMIM 607694.

Allele frequency attached by ClinVar (database versions not stated): 1000 Genomes Project 30x 0.00094; 1000 Genomes Project 0.00100; gnomAD 0.00282 and 0.00293; TOPMed 0.00323.
gnomAD v4.1: 1,906 of 637,710 alleles (0.3%); highest among the groups gnomAD compares: Admixed American, 0.6%; 9 homozygotes.

Submission:

Illumina Laboratory Services, Illumina
Classification: Likely benign for Leukodystrophy, hypomyelinating, 7, with or without oligodontia and/or hypogonadotropic hypogonadism. Last evaluated: 2018-01-13. Review status: criteria provided, single submitter. Criteria: ICSL Variant Classification Criteria 13 December 2019. Collection method: clinical testing. Allele origin: germline.
Comment: This variant was observed in the ICSL laboratory as part of a predisposition screen in an ostensibly healthy population. It had not been previously curated by ICSL or reported in the Human Gene Mutation Database (HGMD: prior to June 1st, 2018), and was therefore a candidate for classification through an automated scoring system. Utilizing variant allele frequency, disease prevalence and penetrance estimates, and inheritance mode, an automated score was calculated to assess if this variant is too frequent to cause the disease. Based on the score and internal cut-off values, a variant classified as likely benign is not then subjected to further curation. The score for this variant resulted in a classification of likely benign for this disease.

NM_007055.4(POLR3A):c.*201G>A

Gene: POLR3A (RNA polymerase III subunit A; minus strand). Cytogenetic location: 10q22.3.
Variant type: single nucleotide variant.
Coding change: c.*201G>A on transcript NM_007055.4 (MANE Select); 201 bases downstream of the stop codon, G replaced by A.
Molecular consequence: 3 prime UTR variant.
Genome position (GRCh38, 1-based): chr10:77,977,277, C>T on the plus strand (G>A on the coding strand, the complement: POLR3A is on the minus strand). VCF-style: chr10-77977277-C-T. GRCh37 (hg19) VCF-style: chr10-79737035-C-T.
Identifiers: ClinVar variation 880078 (VCV000880078.4), dbSNP rs180866130, ClinGen allele CA210184010.
Genomic context (GRCh38, chr10:77,977,277, plus strand): 5'-GCCGTCTATAGATTAGGTTTCAAGCAAGCAAACAATAAAACCCTCAGCTCTCCCGAGCAG[C>T]GTGGCACAGTCAGGGTCACTGGTGTGAGCTGCACCCTATCAGAGGAGAAGCTGCTCCTGG-3'